The following is an entry in ClinVar:

NM_006662.3(SRCAP):c.7780C>T (p.Pro2594Ser)

Gene: SRCAP (Snf2 related CREBBP activator protein; plus strand). Cytogenetic location: 16p11.2.
Variant type: single nucleotide variant.
Coding change: c.7780C>T on transcript NM_006662.3 (MANE Select); coding-DNA position 7780, C replaced by T.
Protein change: p.Pro2594Ser; replaces proline 2594 with serine.
Molecular consequence: missense variant.
Genome position (GRCh38, 1-based): chr16:30,737,820, C>T. VCF-style: chr16-30737820-C-T. GRCh37 (hg19) VCF-style: chr16-30749141-C-T.
Other names: short protein forms P2594S.
Identifiers: ClinVar variation 1878931 (VCV001878931.2), dbSNP rs2506728829, ClinGen allele CA395634522.
Genomic context (GRCh38, chr16:30,737,820, plus strand): 5'-ACCTCCTCACTTTCTCTTGTGCCCCCTAAAGATCTGTTGCCAGTTGCTGTGGAGATCCTG[C>T]CTGTGTCAGAGAAGAACCTTTCTCTCACCCCTTCTGCACCCAGCCTGACCTTGGAGGCTG-3'
Protein context (NP_006653.2, residues 2584-2604): DLLPVAVEIL[Pro2594Ser]VSEKNLSLTP

ClinVar aggregate classification (germline): Uncertain significance (1 of 4 stars; one submission).

Submission:

GeneDx
Classification: Uncertain significance. Last evaluated: 2023-03-06. Review status: criteria provided, single submitter. Criteria: GeneDx Variant Classification Process June 2021. Collection method: clinical testing. Allele origin: germline. Affected: yes.
Comment: Not observed at significant frequency in large population cohorts (gnomAD); In silico analysis supports that this missense variant has a deleterious effect on protein structure/function; Has not been previously published as pathogenic or benign to our knowledge